The following is an entry in ClinVar:

NM_000447.3(PSEN2):c.711G>A (p.Ala237=)

Gene: PSEN2 (presenilin 2; plus strand). Cytogenetic location: 1q42.13.
Variant type: single nucleotide variant.
Coding change: c.711G>A on transcript NM_000447.3 (MANE Select); coding-DNA position 711, G replaced by A.
Protein change: p.Ala237=; no amino-acid change (alanine 237 retained).
Molecular consequence: synonymous variant.
Genome position (GRCh38, 1-based): chr1:226,888,973, G>A. VCF-style: chr1-226888973-G-A. GRCh37 (hg19) VCF-style: chr1-227076674-G-A.
Other names: c.711G>A, p.Ala237= (NM_012486.3).
Identifiers: ClinVar variation 874474 (VCV000874474.9), dbSNP rs202003390, ClinGen allele CA1424615.

ClinVar aggregate classification (germline): Conflicting classifications of pathogenicity. Review status: criteria provided, conflicting classifications (1 of 4 stars). 4 submissions from 3 submitters: Uncertain significance (1); Likely benign (3). Last evaluated 2025-06-14.

Conditions:
Dilated cardiomyopathy 1V (CMD1V). Identifiers: Orphanet 154, MedGen C3150958, MONDO:0013373, OMIM 613697.
Alzheimer disease 4 (AD4). Identifiers: Orphanet 1020, MedGen C1847200, MONDO:0011743, OMIM 606889.

Allele frequency attached by ClinVar (database versions not stated): gnomAD 0.00001; TOPMed 0.00001; gnomAD exomes 0.00002 and 0.00003; ExAC 0.00003.

Submissions (4):

Labcorp Genetics (formerly Invitae), Labcorp
Classification: Likely benign for Alzheimer disease 4. Last evaluated: 2025-06-14. Review status: criteria provided, single submitter. Criteria: Invitae Variant Classification Sherloc (09022015). Collection method: clinical testing. Allele origin: germline.

Athena Diagnostics
Classification: Likely benign. Last evaluated: 2023-11-14. Review status: criteria provided, single submitter. Criteria: Athena Diagnostics Criteria. Collection method: clinical testing. Allele origin: unknown.

Illumina Laboratory Services, Illumina
Classification: Uncertain significance for Dilated cardiomyopathy 1V. Last evaluated: 2017-04-27. Review status: criteria provided, single submitter. Criteria: ICSL Variant Classification Criteria 13 December 2019. Collection method: clinical testing. Allele origin: germline.
Comment: This variant was observed as part of a predisposition screen in an ostensibly healthy population. A literature search was performed for the gene, cDNA change, and amino acid change (where applicable). Publications were found based on this search. However, the evidence from the literature, in combination with allele frequency data from public databases where available, was not sufficient to rule this variant in or out of causing disease. Therefore, this variant is classified as a variant of unknown significance.

Illumina Laboratory Services, Illumina
Classification: Likely benign for Alzheimer disease 4. Last evaluated: 2017-04-27. Review status: criteria provided, single submitter. Criteria: ICSL Variant Classification Criteria 13 December 2019. Collection method: clinical testing. Allele origin: germline.
Comment: This variant was observed as part of a predisposition screen in an ostensibly healthy population. A literature search was performed for the gene, cDNA change, and amino acid change (where applicable). Publications were found based on this search. The evidence from the literature, in combination with allele frequency data from public databases where available, was sufficient to determine this variant is unlikely to cause disease. Therefore, this variant is classified as likely benign.

Literature cited by the submitters: PubMed 25104557 (cited by Illumina Laboratory Services, Illumina).